The following is an entry in ClinVar:

NM_138395.4(MARS2):c.510C>T (p.Cys170=)

Gene: MARS2 (methionyl-tRNA synthetase 2, mitochondrial; plus strand). Cytogenetic location: 2q33.1.
Variant type: single nucleotide variant.
Coding change: c.510C>T on transcript NM_138395.4 (MANE Select); coding-DNA position 510, C replaced by T.
Protein change: p.Cys170=; no amino-acid change (cysteine 170 retained).
Molecular consequence: synonymous variant.
Genome position (GRCh38, 1-based): chr2:197,705,915, C>T. VCF-style: chr2-197705915-C-T. GRCh37 (hg19) VCF-style: chr2-198570639-C-T.
Other names: c.510C>T (NM_138395.3).
Identifiers: ClinVar variation 2068083 (VCV002068083.6), dbSNP rs764668138, ClinGen allele CA2044592.
Genomic context (GRCh38, chr2:197,705,915, plus strand): 5'-CTGGGGGGTGCTTAAGTCCCGCGGTCTGCTCTACAAGGGCGTCTATGAAGGTTGGTATTG[C>T]GCTTCCGACGAGTGCTTCCTGCCTGAGGCCAAGGTCACCCAGCAGCCGGGCCCATCGGGG-3'
Protein context (NP_612404.1, residues 160-180): LYKGVYEGWY[Cys170=]ASDECFLPEA

ClinVar aggregate classification (germline): Likely benign. Review status: criteria provided, single submitter (1 of 4 stars). 2 submissions from 2 submitters: Likely benign (1). 1 of the submissions does not count toward it. Last evaluated 2024-02-24.

Conditions:
MARS2-related disorder. Also called: MARS2-related condition.

Allele frequency attached by ClinVar (database versions not stated): gnomAD 0.00002; TOPMed 0.00002; ExAC 0.00003; gnomAD exomes 0.00003.

Submissions (2):

Labcorp Genetics (formerly Invitae), Labcorp
Classification: Likely benign. Last evaluated: 2024-02-24. Review status: criteria provided, single submitter. Criteria: Invitae Variant Classification Sherloc (09022015). Collection method: clinical testing. Allele origin: germline.

PreventionGenetics, part of Exact Sciences
Classification: Likely benign for MARS2-related condition. Last evaluated: 2020-03-20. Review status: no assertion criteria provided. Collection method: clinical testing. Allele origin: germline. Not counted in ClinVar's aggregate classification.
Comment: This variant is classified as likely benign based on ACMG/AMP sequence variant interpretation guidelines (Richards et al. 2015 PMID: 25741868, with internal and published modifications).